The following is an entry in ClinVar:

NM_000059.4(BRCA2):c.3543A>C (p.Gln1181His)

Gene: BRCA2 (BRCA2 DNA repair associated; plus strand). Cytogenetic location: 13q13.1.
Variant type: single nucleotide variant.
Coding change: c.3543A>C on transcript NM_000059.4 (MANE Select); coding-DNA position 3543, A replaced by C.
Protein change: p.Gln1181His; replaces glutamine 1181 with histidine.
Molecular consequence: missense variant.
Genome position (GRCh38, 1-based): chr13:32,337,898, A>C. VCF-style: chr13-32337898-A-C. GRCh37 (hg19) VCF-style: chr13-32912035-A-C.
Other names: short protein forms Q1181H.
Identifiers: ClinVar variation 933760 (VCV000933760.11), dbSNP rs2072483286, ClinGen allele CA387777170.

ClinVar aggregate classification (germline): Conflicting classifications of pathogenicity. Review status: criteria provided, conflicting classifications (1 of 4 stars). 2 submissions from 2 submitters: Uncertain significance (1); Likely benign (1). Last evaluated 2024-09-05.

Conditions:
Hereditary cancer-predisposing syndrome. Also called: Neoplastic Syndromes, Hereditary; Hereditary Cancer Syndrome; Hereditary neoplastic syndrome; Tumor predisposition. Identifiers: Orphanet 140162, MedGen C0027672, MeSH D009386, MONDO:0015356.
Hereditary breast ovarian cancer syndrome. Also called: Hereditary breast and ovarian cancer syndrome; Hereditary breast and ovarian cancer syndrome (HBOC); Hereditary breast and/or ovarian cancer syndrome; Hereditary breast and ovarian cancer; BRCA1- and BRCA2-Associated Hereditary Breast and Ovarian Cancer; Breast and ovarian cancer. Identifiers: Orphanet 145, MedGen C0677776, MeSH D061325, MONDO:0003582. Disease mechanism: loss of function.

Submissions (2):

Labcorp Genetics (formerly Invitae), Labcorp
Classification: Uncertain significance for Hereditary breast ovarian cancer syndrome. Last evaluated: 2024-09-05. Review status: criteria provided, single submitter. Criteria: Invitae Variant Classification Sherloc (09022015). Collection method: clinical testing. Allele origin: germline.
Comment: This sequence change replaces glutamine, which is neutral and polar, with histidine, which is basic and polar, at codon 1181 of the BRCA2 protein (p.Gln1181His). This variant is not present in population databases (gnomAD no frequency). This variant has not been reported in the literature in individuals affected with BRCA2-related conditions. ClinVar contains an entry for this variant (Variation ID: 933760). Invitae Evidence Modeling of protein sequence and biophysical properties (such as structural, functional, and spatial information, amino acid conservation, physicochemical variation, residue mobility, and thermodynamic stability) indicates that this missense variant is not expected to disrupt BRCA2 protein function with a negative predictive value of 95%. In summary, the available evidence is currently insufficient to determine the role of this variant in disease. Therefore, it has been classified as a Variant of Uncertain Significance.

University of Washington Department of Laboratory Medicine, University of Washington
Classification: Likely benign for Hereditary cancer-predisposing syndrome. Last evaluated: 2023-03-23. Review status: criteria provided, single submitter. Criteria: Dines et al. (Genet Med. 2020). Collection method: curation. Allele origin: germline.
Comment: Missense variant in a coldspot region where missense variants are very unlikely to be pathogenic (PMID:31911673).

BRCA2 exon 11 coldspot. Reclassification based on statistical prior probability.